The following is an entry in ClinVar:

NM_007118.4(TRIO):c.2714A>C (p.Gln905Pro)

Gene: TRIO (trio Rho guanine nucleotide exchange factor; plus strand). Cytogenetic location: 5p15.2.
Variant type: single nucleotide variant.
Coding change: c.2714A>C on transcript NM_007118.4 (MANE Select); coding-DNA position 2714, A replaced by C.
Protein change: p.Gln905Pro; replaces glutamine 905 with proline.
Molecular consequence: missense variant. On other transcripts: non-coding transcript variant (1).
Genome position (GRCh38, 1-based): chr5:14,364,776, A>C. VCF-style: chr5-14364776-A-C. GRCh37 (hg19) VCF-style: chr5-14364885-A-C.
Other names: c.2714A>C (NM_007118.2); short protein forms Q905P.
Identifiers: ClinVar variation 1699365 (VCV001699365.4), dbSNP rs2152341262, ClinGen allele CA359212356.

ClinVar aggregate classification (germline): Uncertain significance. Review status: criteria provided, multiple submitters, no conflicts (2 of 4 stars). 2 submissions from 2 submitters: Uncertain significance (2). Last evaluated 2024-07-23.

Conditions:
Intellectual developmental disorder, autosomal dominant 44, with microcephaly. Also called: Micrognathia-recurrent infections-behavioral abnormalities-mild intellectual disability syndrome; TRIO-Related Intellectual Disability. Identifiers: Orphanet 476126, MedGen C4310740, MONDO:0014892, OMIM 617061.

Submissions (2):

GeneDx
Classification: Uncertain significance. Last evaluated: 2024-07-23. Review status: criteria provided, single submitter. Criteria: GeneDx Variant Classification Process June 2021. Collection method: clinical testing. Allele origin: germline. Affected: yes.
Comment: Not observed at significant frequency in large population cohorts (gnomAD); In silico analysis supports that this missense variant has a deleterious effect on protein structure/function; Has not been previously published as pathogenic or benign to our knowledge

Victorian Clinical Genetics Services, Murdoch Childrens Research Institute
Classification: Uncertain significance for Intellectual developmental disorder, autosomal dominant 44, with microcephaly. Last evaluated: 2020-10-19. Review status: criteria provided, single submitter. Criteria: ACMG Guidelines, 2015. Collection method: clinical testing. Allele origin: germline. Inheritance: Autosomal dominant inheritance. Affected: yes.
Comment: Based on the classification scheme VCGS_Germline_v1.3.3, this variant is classified as 3B-VUS. Following criteria are met: 0103 - Both loss- and gain-of-function are known mechanisms of disease for this gene. Loss-of-function variants and missense within the RhoGEF domain are associated with microcephaly while gain-of-function missense within the 7th spectrin repeat are associated with macrocephaly (PMID: 32109419). (I) 0107 - This gene is associated with autosomal dominant disease. (I) 0200 - Variant is predicted to result in a missense amino acid change from glutamine to proline. (I) 0251 - This variant is heterozygous. (I) 0301 - Variant is absent from gnomAD (both v2 and v3). (SP) 0502 - Missense variant with conflicting in silico predictions and uninformative conservation. (I) 0600 - Variant is located in the annotated spectrin repeat (NCBI). (I) 0705 - No comparable missense variants have previous evidence for pathogenicity. (I) 0807 - This variant has no previous evidence of pathogenicity. (I) 0905 - No published segregation evidence has been identified for this variant. (I) 1007 - No published functional evidence has been identified for this variant. (I) 1208 - Inheritance information for this variant is not currently available in this individual. (I) Legend: (SP) - Supporting pathogenic, (I) - Information, (SB) - Supporting benign

Literature cited by the submitters: PubMed 32109419 (cited by Victorian Clinical Genetics Services, Murdoch Childrens Research Institute).